The following is an entry in ClinVar:

ClinVar aggregate classification (germline): Benign. Review status: criteria provided, multiple submitters, no conflicts (2 of 4 stars). 4 submissions from 4 submitters: Benign (3). 1 of the submissions does not count toward it. Last evaluated 2026-01-27.

Allele frequency attached by ClinVar (database versions not stated): 1000 Genomes Project 30x 0.00671; 1000 Genomes Project 0.00779; TOPMed 0.01399; ESP Exome Variant Server 0.01507; ExAC 0.01619; gnomAD exomes 0.01734 and 0.02146; gnomAD 0.01746 and 0.01853.
gnomAD v4.1: 33,807 of 1,614,092 alleles (2.1%); highest among the groups gnomAD compares: Non-Finnish European, 2.4%; 464 homozygotes.

Submissions (4):

Labcorp Genetics (formerly Invitae), Labcorp
Classification: Benign. Last evaluated: 2026-01-27. Review status: criteria provided, single submitter. Criteria: Invitae Variant Classification Sherloc (09022015). Collection method: clinical testing. Allele origin: germline.

GeneDx
Classification: Benign. Last evaluated: 2021-05-04. Review status: criteria provided, single submitter. Criteria: GeneDx Variant Classification Process June 2021. Collection method: clinical testing. Allele origin: germline. Affected: yes.

Breakthrough Genomics
Classification: Benign. Review status: criteria provided, single submitter. Criteria: ACMG Guidelines, 2015. Collection method: not provided. Allele origin: germline. Inheritance: Autosomal recessive inheritance. Affected: yes.

Genetic Services Laboratory, University of Chicago
Classification: Likely benign for AllHighlyPenetrant. Review status: no assertion criteria provided. Collection method: clinical testing. Allele origin: germline. Inheritance: Autosomal recessive inheritance. Not counted in ClinVar's aggregate classification.
Comment: Likely benign based on allele frequency in 1000 Genomes Project or ESP global frequency and its presence in a patient with a rare or unrelated disease phenotype. NOT Sanger confirmed.

NM_020921.4(NIN):c.3459G>A (p.Arg1153=)

Gene: NIN (ninein; minus strand). Cytogenetic location: 14q22.1.
Variant type: single nucleotide variant.
Coding change: c.3459G>A on transcript NM_020921.4 (MANE Select); coding-DNA position 3459, G replaced by A.
Protein change: p.Arg1153=; no amino-acid change (arginine 1153 retained).
Molecular consequence: synonymous variant. On other transcripts: intron variant (1).
Genome position (GRCh38, 1-based): chr14:50,757,571, C>T on the plus strand (G>A on the coding strand, the complement: NIN is on the minus strand). VCF-style: chr14-50757571-C-T. GRCh37 (hg19) VCF-style: chr14-51224289-C-T.
Other names: c.3459G>A, p.Arg1153= (NM_182944.3, NM_182946.2); c.2399+2286G>A (NM_016350.5).
Identifiers: ClinVar variation 129789 (VCV000129789.17), dbSNP rs41310342, ClinGen allele CA154093.